The following is an entry in ClinVar:

NM_152415.3(VPS37A):c.865A>C (p.Ser289Arg)

Gene: VPS37A (VPS37A subunit of ESCRT-I; plus strand). Cytogenetic location: 8p22.
Variant type: single nucleotide variant.
Coding change: c.865A>C on transcript NM_152415.3 (MANE Select); coding-DNA position 865, A replaced by C.
Protein change: p.Ser289Arg; replaces serine 289 with arginine.
Molecular consequence: missense variant.
Genome position (GRCh38, 1-based): chr8:17,280,262, A>C. VCF-style: chr8-17280262-A-C. GRCh37 (hg19) VCF-style: chr8-17137771-A-C.
Other names: c.790A>C, p.Ser264Arg (NM_001145152.2); c.865A>C, p.Ser289Arg (NM_001363167.1, NM_001363173.2); c.595A>C, p.Ser199Arg (NM_001363168.1, NM_001363169.1, NM_001363170.1 and 2 more transcripts); short protein forms S264R, S289R, S199R.
Identifiers: ClinVar variation 2864011 (VCV002864011.3), dbSNP rs1158491697, ClinGen allele CA370403214.

ClinVar aggregate classification (germline): Uncertain significance (1 of 4 stars; one submission).

Conditions:
Hereditary spastic paraplegia 53. Also called: Spastic paraplegia 53, autosomal recessive. Identifiers: Orphanet 319199, MedGen C3539494, MONDO:0013962, OMIM 614898.

Allele frequency attached by ClinVar (database versions not stated): gnomAD exomes below 0.00001; TOPMed below 0.00001.
gnomAD v4.1: 7 of 1,612,788 alleles (0.00043%); highest among the groups gnomAD compares: Admixed American, 0.01%; no homozygotes.

Submission:

Labcorp Genetics (formerly Invitae), Labcorp
Classification: Uncertain significance for Hereditary spastic paraplegia 53. Last evaluated: 2023-05-01. Review status: criteria provided, single submitter. Criteria: Invitae Variant Classification Sherloc (09022015). Collection method: clinical testing. Allele origin: germline.
Comment: This sequence change replaces serine, which is neutral and polar, with arginine, which is basic and polar, at codon 289 of the VPS37A protein (p.Ser289Arg). This variant is present in population databases (no rsID available, gnomAD 0.003%). This variant has not been reported in the literature in individuals affected with VPS37A-related conditions. Advanced modeling of protein sequence and biophysical properties (such as structural, functional, and spatial information, amino acid conservation, physicochemical variation, residue mobility, and thermodynamic stability) performed at Invitae indicates that this missense variant is not expected to disrupt VPS37A protein function. In summary, the available evidence is currently insufficient to determine the role of this variant in disease. Therefore, it has been classified as a Variant of Uncertain Significance.